The following is an entry in ClinVar:

NM_006269.2(RP1):c.4874T>G (p.Ile1625Arg)

Gene: RP1 (RP1 axonemal microtubule associated; plus strand). Cytogenetic location: 8q12.1.
Variant type: single nucleotide variant.
Coding change: c.4874T>G on transcript NM_006269.2 (MANE Select); coding-DNA position 4874, T replaced by G.
Protein change: p.Ile1625Arg; replaces isoleucine 1625 with arginine.
Molecular consequence: missense variant. On other transcripts: intron variant (1).
Genome position (GRCh38, 1-based): chr8:54,628,756, T>G. VCF-style: chr8-54628756-T-G. GRCh37 (hg19) VCF-style: chr8-55541316-T-G.
Other names: c.787+6468T>G (NM_001375654.1); c.4874T>G (NM_006269.1); short protein forms I1625R.
Identifiers: ClinVar variation 3630579 (VCV003630579.3).

ClinVar aggregate classification (germline): Uncertain significance. Review status: criteria provided, multiple submitters, no conflicts (2 of 4 stars). 2 submissions from 2 submitters: Uncertain significance (2). Last evaluated 2025-04-13.

Conditions:
Inborn genetic diseases. Identifiers: MedGen C0950123, MeSH D030342.

gnomAD v4.1: 3 of 1,614,012 alleles (0.00019%); highest among the groups gnomAD compares: Non-Finnish European, 0.00025%; no homozygotes.

Submissions (2):

Ambry Genetics
Classification: Uncertain significance for Inborn genetic diseases. Last evaluated: 2025-04-13. Review status: criteria provided, single submitter. Criteria: Ambry Variant Classification Scheme 2023. Collection method: clinical testing. Allele origin: germline.

Labcorp Genetics (formerly Invitae), Labcorp
Classification: Uncertain significance. Last evaluated: 2024-02-27. Review status: criteria provided, single submitter. Criteria: Invitae Variant Classification Sherloc (09022015). Collection method: clinical testing. Allele origin: germline.
Comment: This sequence change replaces isoleucine, which is neutral and non-polar, with arginine, which is basic and polar, at codon 1625 of the RP1 protein (p.Ile1625Arg). This variant is present in population databases (rs754370596, gnomAD 0.0009%). This variant has not been reported in the literature in individuals affected with RP1-related conditions. Algorithms developed to predict the effect of missense changes on protein structure and function output the following: SIFT: "Not Available"; PolyPhen-2: "Benign"; Align-GVGD: "Not Available". The arginine amino acid residue is found in multiple mammalian species, which suggests that this missense change does not adversely affect protein function. In summary, the available evidence is currently insufficient to determine the role of this variant in disease. Therefore, it has been classified as a Variant of Uncertain Significance.